The following is an entry in ClinVar:

NM_014679.5(CEP57):c.263T>C (p.Ile88Thr)

Gene: CEP57 (centrosomal protein 57; plus strand). Cytogenetic location: 11q21.
Variant type: single nucleotide variant.
Coding change: c.263T>C on transcript NM_014679.5 (MANE Select); coding-DNA position 263, T replaced by C.
Protein change: p.Ile88Thr; replaces isoleucine 88 with threonine.
Molecular consequence: missense variant.
Genome position (GRCh38, 1-based): chr11:95,812,992, T>C. VCF-style: chr11-95812992-T-C. GRCh37 (hg19) VCF-style: chr11-95546156-T-C.
Other names: c.263T>C (NM_014679.4); c.236T>C, p.Ile79Thr (NM_001243776.2); c.263T>C, p.Ile88Thr (NM_001243777.2); c.182T>C, p.Ile61Thr (NM_001363604.2); short protein forms I61T, I79T, I88T.
Identifiers: ClinVar variation 1003179 (VCV001003179.9), dbSNP rs1862134368, ClinGen allele CA382420269.
Genomic context (GRCh38, chr11:95,812,992, plus strand): 5'-CCATATTTTCTGCTCTTAAGAATCTTCAAGATAAGATTCGACGCTTGGAACTTGAGAGGA[T>C]TCAGGCAGAAGAAAGTGTGAAAACCTTGTCTAGAGAAACAATTGAATATAAGAAAGTACT-3'
Protein context (NP_055494.2, residues 78-98): DKIRRLELER[Ile88Thr]QAEESVKTLS

ClinVar aggregate classification (germline): Uncertain significance. Review status: criteria provided, multiple submitters, no conflicts (2 of 4 stars). 2 submissions from 2 submitters: Uncertain significance (2). Last evaluated 2026-07-18.

Conditions:
Mosaic variegated aneuploidy syndrome 2 (MVA2). Identifiers: Orphanet 1052, MedGen C3279843, MONDO:0013582, OMIM 614114.
Inborn genetic diseases. Identifiers: MedGen C0950123, MeSH D030342.

Submissions (2):

Ambry Genetics
Classification: Uncertain significance for Inborn genetic diseases. Last evaluated: 2026-07-18. Review status: criteria provided, single submitter. Criteria: Ambry Variant Classification Scheme 2023. Collection method: clinical testing. Allele origin: germline.
Comment: The p.I88T variant (also known as c.263T>C), located in coding exon 3 of the CEP57 gene, results from a T to C substitution at nucleotide position 263. The isoleucine at codon 88 is replaced by threonine, an amino acid with similar properties. This amino acid position is conserved. In addition, the in silico prediction for this alteration is inconclusive. Based on the available evidence, the clinical significance of this variant remains unclear.

Labcorp Genetics (formerly Invitae), Labcorp
Classification: Uncertain significance for Mosaic variegated aneuploidy syndrome 2. Last evaluated: 2020-08-19. Review status: criteria provided, single submitter. Criteria: Invitae Variant Classification Sherloc (09022015). Collection method: clinical testing. Allele origin: germline.
Comment: In summary, the available evidence is currently insufficient to determine the role of this variant in disease. Therefore, it has been classified as a Variant of Uncertain Significance. Algorithms developed to predict the effect of missense changes on protein structure and function are either unavailable or do not agree on the potential impact of this missense change (SIFT: "Tolerated"; PolyPhen-2: "Probably Damaging"; Align-GVGD: "Class C0"). This variant has not been reported in the literature in individuals with CEP57-related conditions. This variant is not present in population databases (ExAC no frequency). This sequence change replaces isoleucine with threonine at codon 88 of the CEP57 protein (p.Ile88Thr). The isoleucine residue is moderately conserved and there is a moderate physicochemical difference between isoleucine and threonine.